The following is an entry in ClinVar:

NM_017617.5(NOTCH1):c.3694G>A (p.Val1232Met)

Gene: NOTCH1 (notch receptor 1; minus strand). Cytogenetic location: 9q34.3.
Variant type: single nucleotide variant.
Coding change: c.3694G>A on transcript NM_017617.5 (MANE Select); coding-DNA position 3694, G replaced by A.
Protein change: p.Val1232Met; replaces valine 1232 with methionine.
Molecular consequence: missense variant.
Genome position (GRCh38, 1-based): chr9:136,506,923, C>T on the plus strand (G>A on the coding strand, the complement: NOTCH1 is on the minus strand). VCF-style: chr9-136506923-C-T. GRCh37 (hg19) VCF-style: chr9-139401375-C-T.
Other names: c.3694G>A, p.Val1232Met (LRG_1122t1); short protein forms V1232M.
Identifiers: ClinVar variation 477918 (VCV000477918.17), dbSNP rs750169914, ClinGen allele CA5340821.
Genomic context (GRCh38, chr9:136,506,923, plus strand): 5'-TGTAGCCGCCCACCTGGTCCACGCAGGTGCCGTTGTTAAAGCACTTGGGGCTCCGGGACA[C>T]GGGGTCAACGGGGGGATTGCAGTCGTCCACGTTGATCTCACAGTGCACACCTGCGGGGCC-3'
Protein context (NP_060087.3, residues 1222-1242): VDDCNPPVDP[Val1232Met]SRSPKCFNNG

ClinVar aggregate classification (germline): Conflicting classifications of pathogenicity. Review status: criteria provided, conflicting classifications (1 of 4 stars). 6 submissions from 5 submitters: Uncertain significance (3); Benign (1). 2 of the submissions do not count toward it. Last evaluated 2025-09-29.

Conditions:
Familial thoracic aortic aneurysm and aortic dissection (TAAD). Also called: Thoracic aortic aneurysms and dissections. Identifiers: Orphanet 91387, MedGen C4707243, MONDO:0019625.
Aortic valve disease 1 (AOVD1). Identifiers: MedGen C3887892, MONDO:0024523, OMIM 109730.
Adams-Oliver syndrome 5 (AOS5). Identifiers: Orphanet 974, MedGen C4014970, MONDO:0014459, OMIM 616028.

Allele frequency attached by ClinVar (database versions not stated): gnomAD 0.00001 and 0.00003; ExAC 0.00003; TOPMed 0.00003; gnomAD exomes 0.00004 and 0.00005.
gnomAD v4.1: 79 of 1,611,236 alleles (0.0049%); highest among the groups gnomAD compares: South Asian, 0.021%; 1 homozygote.

Submissions (6):

Labcorp Genetics (formerly Invitae), Labcorp
Classification: Benign for Adams-Oliver syndrome 5. Last evaluated: 2025-09-29. Review status: criteria provided, single submitter. Criteria: Invitae Variant Classification Sherloc (09022015). Collection method: clinical testing. Allele origin: germline.

Ambry Genetics
Classification: Uncertain significance for Familial thoracic aortic aneurysm and aortic dissection. Last evaluated: 2025-04-17. Review status: criteria provided, single submitter. Criteria: Ambry Variant Classification Scheme 2023. Collection method: clinical testing. Allele origin: germline.
Comment: The p.V1232M variant (also known as c.3694G>A), located in coding exon 23 of the NOTCH1 gene, results from a G to A substitution at nucleotide position 3694. The valine at codon 1232 is replaced by methionine, an amino acid with highly similar properties. This variant was reported in individual(s) with features consistent with NOTCH1-related cardiac spectrum defects (Ma M et al. BMC Cardiovasc Disord, 2021 Aug;21:413; Li J et al. Mol Genet Genomic Med, 2021 Oct;9:e1800). This amino acid position is poorly conserved in available vertebrate species. In addition, this alteration is predicted to be tolerated by in silico analysis. Based on the available evidence, the clinical significance of this variant remains unclear.

Genome-Nilou Lab
Classification: Uncertain significance for Adams-Oliver syndrome 5. Last evaluated: 2022-03-15. Review status: criteria provided, single submitter. Criteria: ACMG Guidelines, 2015. Collection method: clinical testing. Allele origin: germline. Affected: no.

Genome-Nilou Lab
Classification: Uncertain significance for Aortic valve disease 1. Last evaluated: 2022-03-15. Review status: criteria provided, single submitter. Criteria: ACMG Guidelines, 2015. Collection method: clinical testing. Allele origin: germline. Affected: no.

Genome Diagnostics Laboratory, Amsterdam University Medical Center
Classification: Likely benign. Review status: no assertion criteria provided. Collection method: clinical testing. Allele origin: germline. Affected: yes. Study: VKGL Data-share Consensus. Not counted in ClinVar's aggregate classification.

Genome Diagnostics Laboratory, University Medical Center Utrecht
Classification: Likely benign. Review status: no assertion criteria provided. Collection method: clinical testing. Allele origin: germline. Affected: yes. Study: VKGL Data-share Consensus. Not counted in ClinVar's aggregate classification.

Literature cited by the submitters: PubMed 34461831 (cited by Ambry Genetics); PubMed 34498425 (cited by Ambry Genetics).